The following is an entry in ClinVar:

NM_016156.6(MTMR2):c.1552G>A (p.Gly518Arg)

Gene: MTMR2 (myotubularin related protein 2; minus strand). Cytogenetic location: 11q21.
Variant type: single nucleotide variant.
Coding change: c.1552G>A on transcript NM_016156.6 (MANE Select); coding-DNA position 1552, G replaced by A.
Protein change: p.Gly518Arg; replaces glycine 518 with arginine.
Molecular consequence: missense variant.
Genome position (GRCh38, 1-based): chr11:95,838,135, C>T on the plus strand (G>A on the coding strand, the complement: MTMR2 is on the minus strand). VCF-style: chr11-95838135-C-T. GRCh37 (hg19) VCF-style: chr11-95571299-C-T.
Other names: c.1336G>A, p.Gly446Arg (NM_001243571.2, NM_201278.3, NM_201281.3); short protein forms G518R, G446R.
Identifiers: ClinVar variation 543326 (VCV000543326.6), dbSNP rs1014132718, ClinGen allele CA226594600.

ClinVar aggregate classification (germline): Uncertain significance (1 of 4 stars; one submission).

Conditions:
Charcot-Marie-Tooth disease type 4. Also called: Charcot-Marie-Tooth disease, type IV; Charcot-Marie-Tooth, Type 4. Identifiers: Orphanet 64749, MedGen C4082197, MONDO:0018995.

Allele frequency attached by ClinVar (database versions not stated): gnomAD exomes below 0.00001; TOPMed 0.00002.
gnomAD v4.1: 2 of 1,610,920 alleles (0.00012%); highest among the groups gnomAD compares: African/African-American, 0.0013%; no homozygotes.

Submission:

Labcorp Genetics (formerly Invitae), Labcorp
Classification: Uncertain significance for Charcot-Marie-Tooth disease type 4. Last evaluated: 2023-10-30. Review status: criteria provided, single submitter. Criteria: Invitae Variant Classification Sherloc (09022015). Collection method: clinical testing. Allele origin: germline.
Comment: This sequence change replaces glycine, which is neutral and non-polar, with arginine, which is basic and polar, at codon 518 of the MTMR2 protein (p.Gly518Arg). The frequency data for this variant in the population databases is considered unreliable, as metrics indicate poor data quality at this position in the gnomAD database. This missense change has been observed in individual(s) with clinical features of MTMR2-related conditions (Invitae). In at least one individual the data is consistent with being in trans (on the opposite chromosome) from a pathogenic variant. ClinVar contains an entry for this variant (Variation ID: 543326). Advanced modeling of protein sequence and biophysical properties (such as structural, functional, and spatial information, amino acid conservation, physicochemical variation, residue mobility, and thermodynamic stability) performed at Invitae indicates that this missense variant is expected to disrupt MTMR2 protein function with a positive predictive value of 80%. In summary, the available evidence is currently insufficient to determine the role of this variant in disease. Therefore, it has been classified as a Variant of Uncertain Significance.